The following is an entry in ClinVar:

NM_001851.6(COL9A1):c.1013G>A (p.Gly338Glu)

Gene: COL9A1 (collagen type IX alpha 1 chain; minus strand). Cytogenetic location: 6q13.
Variant type: single nucleotide variant.
Coding change: c.1013G>A on transcript NM_001851.6 (MANE Select); coding-DNA position 1013, G replaced by A.
Protein change: p.Gly338Glu; replaces glycine 338 with glutamic acid.
Molecular consequence: missense variant. On other transcripts: non-coding transcript variant (1).
Genome position (GRCh38, 1-based): chr6:70,274,735, C>T on the plus strand (G>A on the coding strand, the complement: COL9A1 is on the minus strand). VCF-style: chr6-70274735-C-T. GRCh37 (hg19) VCF-style: chr6-70984438-C-T.
Other names: c.284G>A, p.Gly95Glu (NM_001377289.1, NM_001377290.1, NM_078485.4); short protein forms G338E, G95E.
Identifiers: ClinVar variation 1500412 (VCV001500412.6), dbSNP rs778526641, ClinGen allele CA140818213.

ClinVar aggregate classification (germline): Uncertain significance (1 of 4 stars; one submission).

gnomAD v4.1: 3 of 1,612,498 alleles (0.00019%); highest among the groups gnomAD compares: Middle Eastern, 0.017%; no homozygotes.

Submission:

Labcorp Genetics (formerly Invitae), Labcorp
Classification: Uncertain significance. Last evaluated: 2022-03-04. Review status: criteria provided, single submitter. Criteria: Invitae Variant Classification Sherloc (09022015). Collection method: clinical testing. Allele origin: germline.
Comment: This variant has not been reported in the literature in individuals affected with COL9A1-related conditions. This sequence change replaces glycine, which is neutral and non-polar, with glutamic acid, which is acidic and polar, at codon 338 of the COL9A1 protein (p.Gly338Glu). This variant is not present in population databases (gnomAD no frequency). Advanced modeling of protein sequence and biophysical properties (such as structural, functional, and spatial information, amino acid conservation, physicochemical variation, residue mobility, and thermodynamic stability) performed at Invitae indicates that this missense variant is expected to disrupt COL9A1 protein function. In summary, the available evidence is currently insufficient to determine the role of this variant in disease. Therefore, it has been classified as a Variant of Uncertain Significance.